The following is an entry in ClinVar:

ClinVar aggregate classification (germline): Uncertain significance (1 of 4 stars; one submission).

gnomAD v4.1: 4 of 1,167,499 alleles (0.00034%); highest among the groups gnomAD compares: South Asian, 0.0019%; no homozygotes.

Submission:

Ambry Genetics
Classification: Uncertain significance. Last evaluated: 2025-10-22. Review status: criteria provided, single submitter. Criteria: Ambry Variant Classification Scheme 2023. Collection method: clinical testing. Allele origin: germline.
Comment: The c.971G>T (p.R324L) alteration is located in exon 9 (coding exon 8) of the SYTL5 gene. This alteration results from a G to T substitution at nucleotide position 971, causing the arginine (R) at amino acid position 324 to be replaced by a leucine (L). Based on data from gnomAD, the T allele has an overall frequency of 0.001% (2/165661) total alleles studied. The highest observed frequency was 0.003% (2/75802) of European (non-Finnish) alleles. Based on insufficient or conflicting evidence, the clinical significance of this alteration remains unclear.

NM_138780.3(SYTL5):c.971G>T (p.Arg324Leu)

Gene: SYTL5 (synaptotagmin like 5; plus strand). Cytogenetic location: Xp11.4.
Variant type: single nucleotide variant.
Coding change: c.971G>T on transcript NM_138780.3 (MANE Select); coding-DNA position 971, G replaced by T.
Protein change: p.Arg324Leu; replaces arginine 324 with leucine.
Molecular consequence: missense variant.
Genome position (GRCh38, 1-based): chrX:38,096,143, G>T. VCF-style: chrX-38096143-G-T. GRCh37 (hg19) VCF-style: chrX-37955396-G-T.
Other names: c.971G>T, p.Arg324Leu (NM_001163334.1, NM_001163335.2); short protein forms R324L.
Identifiers: ClinVar variation 4592156 (VCV004592156.1).